The following is an entry in ClinVar:

NM_018109.4(MTPAP):c.791A>G (p.Asn264Ser)

Gene: MTPAP (mitochondrial poly(A) polymerase; minus strand). Cytogenetic location: 10p11.23.
Variant type: single nucleotide variant.
Coding change: c.791A>G on transcript NM_018109.4 (MANE Select); coding-DNA position 791, A replaced by G.
Protein change: p.Asn264Ser; replaces asparagine 264 with serine.
Molecular consequence: missense variant.
Genome position (GRCh38, 1-based): chr10:30,326,625, T>C on the plus strand (A>G on the coding strand, the complement: MTPAP is on the minus strand). VCF-style: chr10-30326625-T-C. GRCh37 (hg19) VCF-style: chr10-30615554-T-C.
Other names: short protein forms N264S.
Identifiers: ClinVar variation 1369709 (VCV001369709.6), dbSNP rs921163748, ClinGen allele CA205274016.

ClinVar aggregate classification (germline): Uncertain significance (1 of 4 stars; one submission).

gnomAD v4.1: 2 of 1,613,128 alleles (0.00012%); highest among the groups gnomAD compares: Admixed American, 0.0017%; no homozygotes.

Submission:

Labcorp Genetics (formerly Invitae), Labcorp
Classification: Uncertain significance. Last evaluated: 2022-10-13. Review status: criteria provided, single submitter. Criteria: Invitae Variant Classification Sherloc (09022015). Collection method: clinical testing. Allele origin: germline.
Comment: In summary, the available evidence is currently insufficient to determine the role of this variant in disease. Therefore, it has been classified as a Variant of Uncertain Significance. Algorithms developed to predict the effect of missense changes on protein structure and function output the following: SIFT: "Tolerated"; PolyPhen-2: "Benign"; Align-GVGD: "Class C0". The serine amino acid residue is found in multiple mammalian species, which suggests that this missense change does not adversely affect protein function. ClinVar contains an entry for this variant (Variation ID: 1369709). This variant has not been reported in the literature in individuals affected with MTPAP-related conditions. This variant is present in population databases (no rsID available, gnomAD 0.003%). This sequence change replaces asparagine, which is neutral and polar, with serine, which is neutral and polar, at codon 264 of the MTPAP protein (p.Asn264Ser).